The following is an entry in ClinVar:

NM_017534.6(MYH2):c.1975-9G>A

Genes: MYH2 (myosin heavy chain 2; minus strand), MYHAS (myosin heavy chain gene cluster antisense RNA; plus strand). Cytogenetic location: 17p13.1.
Variant type: single nucleotide variant.
Coding change: c.1975-9G>A on transcript NM_017534.6 (MANE Select); 9 bases into the intron before coding-DNA position 1975, G replaced by A.
Molecular consequence: intron variant.
Genome position (GRCh38, 1-based): chr17:10,535,374, C>T on the plus strand (G>A on the coding strand, the complement: MYH2 is on the minus strand). VCF-style: chr17-10535374-C-T. GRCh37 (hg19) VCF-style: chr17-10438691-C-T.
Other names: p.?; c.1975-9G>A (NM_001100112.2).
Identifiers: ClinVar variation 260816 (VCV000260816.20), dbSNP rs3744566, ClinGen allele CA8391241.

ClinVar aggregate classification (germline): Benign/Likely benign. Review status: criteria provided, multiple submitters, no conflicts (2 of 4 stars). 9 submissions from 9 submitters: Benign (6); Likely benign (1). 2 of the submissions do not count toward it. Last evaluated 2026-02-02.

Conditions:
Myopathy, proximal, and ophthalmoplegia (CMYO6). Also called: MYOPATHY WITH CONGENITAL JOINT CONTRACTURES, OPHTHALMOPLEGIA, AND RIMMED VACUOLES; CONGENITAL MYOPATHY 6 WITH OPHTHALMOPLEGIA; INCLUSION BODY MYOPATHY 3, AUTOSOMAL DOMINANT. Identifiers: Orphanet 363677, Orphanet 79091, MedGen C1854106, MONDO:0011577, OMIM 605637.

Allele frequency attached by ClinVar (database versions not stated): gnomAD 0.06015; TOPMed 0.06351; ESP Exome Variant Server 0.07004; 1000 Genomes Project 30x 0.07027; 1000 Genomes Project 0.07328.
gnomAD v4.1: 96,508 of 1,611,432 alleles (6%); highest among the groups gnomAD compares: South Asian, 11%; 3,300 homozygotes.

Submissions (9):

Labcorp Genetics (formerly Invitae), Labcorp
Classification: Benign for Myopathy, proximal, and ophthalmoplegia. Last evaluated: 2026-02-02. Review status: criteria provided, single submitter. Criteria: Invitae Variant Classification Sherloc (09022015). Collection method: clinical testing. Allele origin: germline.

Blueprint Genetics
Classification: Likely benign. Last evaluated: 2024-11-27. Review status: criteria provided, single submitter. Criteria: ACMG Guidelines, 2015. Collection method: clinical testing. Allele origin: germline.

GeneDx
Classification: Benign. Last evaluated: 2018-07-15. Review status: criteria provided, single submitter. Criteria: GeneDx Variant Classification Process June 2021. Collection method: clinical testing. Allele origin: germline. Affected: yes.

Illumina Laboratory Services, Illumina
Classification: Benign for Myopathy, proximal, and ophthalmoplegia. Last evaluated: 2018-01-13. Review status: criteria provided, single submitter. Criteria: ICSL Variant Classification Criteria 13 December 2019. Collection method: clinical testing. Allele origin: germline.
Comment: This variant was observed in the ICSL laboratory as part of a predisposition screen in an ostensibly healthy population. It had not been previously curated by ICSL or reported in the Human Gene Mutation Database (HGMD: prior to June 1st, 2018), and was therefore a candidate for classification through an automated scoring system. Utilizing variant allele frequency, disease prevalence and penetrance estimates, and inheritance mode, an automated score was calculated to assess if this variant is too frequent to cause the disease. Based on the score and internal cut-off values, a variant classified as benign is not then subjected to further curation. The score for this variant resulted in a classification of benign for this disease.

Mayo Clinic Laboratories, Mayo Clinic
Classification: Benign. Last evaluated: 2017-11-15. Review status: criteria provided, single submitter. Criteria: ACMG Guidelines, 2015. Collection method: clinical testing. Allele origin: germline. Observed: 75 variant alleles.

Breakthrough Genomics
Classification: Benign. Review status: criteria provided, single submitter. Criteria: ACMG Guidelines, 2015. Collection method: not provided. Allele origin: germline. Inheritance: Autosomal dominant inheritance. Affected: yes.

PreventionGenetics, part of Exact Sciences
Classification: Benign. Review status: criteria provided, single submitter. Criteria: ACMG Guidelines, 2015. Collection method: clinical testing. Allele origin: germline.

Clinical Genetics, Academic Medical Center
Classification: Benign. Review status: no assertion criteria provided. Collection method: clinical testing. Allele origin: germline. Affected: yes. Study: VKGL Data-share Consensus. Not counted in ClinVar's aggregate classification.

Joint Genome Diagnostic Labs from Nijmegen and Maastricht, Radboudumc and MUMC+
Classification: Benign. Review status: no assertion criteria provided. Collection method: clinical testing. Allele origin: germline. Affected: yes. Study: VKGL Data-share Consensus. Not counted in ClinVar's aggregate classification.